The following is an entry in ClinVar:

ClinVar aggregate classification (germline): Benign/Likely benign. Review status: criteria provided, multiple submitters, no conflicts (2 of 4 stars). 3 submissions from 3 submitters: Benign (1); Likely benign (2). Last evaluated 2026-09-01.

Allele frequency attached by ClinVar (database versions not stated): 1000 Genomes Project 0.00060; 1000 Genomes Project 30x 0.00062; TOPMed 0.00248; gnomAD 0.00285 and 0.00294; ExAC 0.00288; gnomAD exomes 0.00323 and 0.00366; ESP Exome Variant Server 0.00354.
gnomAD v4.1: 5,799 of 1,614,202 alleles (0.36%); highest among the groups gnomAD compares: Non-Finnish European, 0.38%; 21 homozygotes.

Submissions (3):

CeGaT Center for Human Genetics Tuebingen
Classification: Likely benign. Last evaluated: 2026-09-01. Review status: criteria provided, single submitter. Criteria: CeGaT Center For Human Genetics Tuebingen Variant Classification Criteria Version 2. Collection method: clinical testing. Allele origin: germline. Affected: yes. Observed: 20 variant alleles.
Comment: RUSC2: BP4, BP7, BS2

Labcorp Genetics (formerly Invitae), Labcorp
Classification: Benign. Last evaluated: 2026-01-31. Review status: criteria provided, single submitter. Criteria: Invitae Variant Classification Sherloc (09022015). Collection method: clinical testing. Allele origin: germline.

Breakthrough Genomics
Classification: Likely benign. Review status: criteria provided, single submitter. Criteria: ACMG Guidelines, 2015. Collection method: not provided. Allele origin: germline. Inheritance: Autosomal recessive inheritance. Affected: yes.

NM_014806.5(RUSC2):c.1071T>G (p.Pro357=)

Gene: RUSC2 (RUN and SH3 domain containing 2; plus strand). Cytogenetic location: 9p13.3.
Variant type: single nucleotide variant.
Coding change: c.1071T>G on transcript NM_014806.5 (MANE Select); coding-DNA position 1071, T replaced by G.
Protein change: p.Pro357=; no amino-acid change (proline 357 retained).
Molecular consequence: synonymous variant. On other transcripts: non-coding transcript variant (1), intron variant (1).
Genome position (GRCh38, 1-based): chr9:35,547,592, T>G. VCF-style: chr9-35547592-T-G. GRCh37 (hg19) VCF-style: chr9-35547589-T-G.
Other names: c.1071T>G, p.Pro357= (NM_001135999.2); c.-620-7468T>G (NM_001330740.2).
Identifiers: ClinVar variation 1167934 (VCV001167934.44), dbSNP rs141631057, ClinGen allele CA5043585.